The following is an entry in ClinVar:

NM_004370.6(COL12A1):c.4627G>A (p.Val1543Ile)

Gene: COL12A1 (collagen type XII alpha 1 chain; minus strand). Cytogenetic location: 6q13.
Variant type: single nucleotide variant.
Coding change: c.4627G>A on transcript NM_004370.6 (MANE Select); coding-DNA position 4627, G replaced by A.
Protein change: p.Val1543Ile; replaces valine 1543 with isoleucine.
Molecular consequence: missense variant.
Genome position (GRCh38, 1-based): chr6:75,145,389, C>T on the plus strand (G>A on the coding strand, the complement: COL12A1 is on the minus strand). VCF-style: chr6-75145389-C-T. GRCh37 (hg19) VCF-style: chr6-75855105-C-T.
Other names: c.1135G>A, p.Val379Ile (NM_080645.3); c.4627G>A (NM_004370.5); short protein forms V1543I, V379I.
Identifiers: ClinVar variation 1500888 (VCV001500888.8), dbSNP rs771220392, ClinGen allele CA3893396.

ClinVar aggregate classification (germline): Uncertain significance. Review status: criteria provided, multiple submitters, no conflicts (2 of 4 stars). 3 submissions from 3 submitters: Uncertain significance (3). Last evaluated 2024-02-29.

Conditions:
Ullrich congenital muscular dystrophy 2 (UCMD2). Identifiers: Orphanet 75840, MedGen C4225314, MONDO:0014654, OMIM 616470.
Bethlem myopathy 2 (BTHLM2). Identifiers: Orphanet 536516, Orphanet 610, MedGen C4225313, MONDO:0034022, OMIM 616471.

Allele frequency attached by ClinVar (database versions not stated): TOPMed below 0.00001; ExAC 0.00001; gnomAD exomes 0.00001.
gnomAD v4.1: 3 of 1,614,038 alleles (0.00019%); highest among the groups gnomAD compares: South Asian, 0.0011%; no homozygotes.

Submissions (3):

GeneDx
Classification: Uncertain significance. Last evaluated: 2024-02-29. Review status: criteria provided, single submitter. Criteria: GeneDx Variant Classification Process June 2021. Collection method: clinical testing. Allele origin: germline. Affected: yes.
Comment: Has not been previously published as pathogenic or benign to our knowledge; Not observed at significant frequency in large population cohorts (gnomAD); In silico analysis supports that this missense variant does not alter protein structure/function

Neuberg Centre For Genomic Medicine, NCGM
Classification: Uncertain significance for Bethlem myopathy 2. Last evaluated: 2024-02-01. Review status: criteria provided, single submitter. Criteria: ACMG Guidelines, 2015. Collection method: clinical testing. Allele origin: germline. Inheritance: Autosomal dominant inheritance.
Comment: The above variant in COL12A1 gene has not been reported previously as a pathogenic variant nor as a benign variant, to our knowledge. For these reasons, this variant has been classified as a Variant of Uncertain Significance (VUS).

Labcorp Genetics (formerly Invitae), Labcorp
Classification: Uncertain significance for Bethlem myopathy 2; Ullrich congenital muscular dystrophy 2. Last evaluated: 2022-06-28. Review status: criteria provided, single submitter. Criteria: Invitae Variant Classification Sherloc (09022015). Collection method: clinical testing. Allele origin: germline.
Comment: This sequence change replaces valine, which is neutral and non-polar, with isoleucine, which is neutral and non-polar, at codon 1543 of the COL12A1 protein (p.Val1543Ile). This variant is present in population databases (rs771220392, gnomAD 0.003%). This variant has not been reported in the literature in individuals affected with COL12A1-related conditions. Algorithms developed to predict the effect of missense changes on protein structure and function output the following: SIFT: "Tolerated"; PolyPhen-2: "Benign"; Align-GVGD: "Class C0". The isoleucine amino acid residue is found in multiple mammalian species, which suggests that this missense change does not adversely affect protein function. In summary, the available evidence is currently insufficient to determine the role of this variant in disease. Therefore, it has been classified as a Variant of Uncertain Significance.